The following is an entry in ClinVar:

NM_000052.7(ATP7A):c.880A>T (p.Asn294Tyr)

Gene: ATP7A (ATPase copper transporting alpha; plus strand). Cytogenetic location: Xq21.1.
Variant type: single nucleotide variant.
Coding change: c.880A>T on transcript NM_000052.7 (MANE Select); coding-DNA position 880, A replaced by T.
Protein change: p.Asn294Tyr; replaces asparagine 294 with tyrosine.
Molecular consequence: missense variant.
Genome position (GRCh38, 1-based): chrX:77,989,502, A>T. VCF-style: chrX-77989502-A-T. GRCh37 (hg19) VCF-style: chrX-77244998-A-T.
Other names: c.880A>T, p.Asn294Tyr (NM_001282224.2); short protein forms N294Y.
Identifiers: ClinVar variation 533685 (VCV000533685.61), dbSNP rs150526992, ClinGen allele CA10458969.

ClinVar aggregate classification (germline): Conflicting classifications of pathogenicity. Review status: criteria provided, conflicting classifications (1 of 4 stars). 6 submissions from 6 submitters: Uncertain significance (1); Benign (3); Likely benign (2). Last evaluated 2026-09-02.

Conditions:
Inborn genetic diseases. Identifiers: MedGen C0950123, MeSH D030342.
Menkes kinky-hair syndrome (MNK). Also called: Copper transport disease; Menkes Disease; Classic Menkes Disease. Identifiers: Orphanet 565, MedGen C0022716, MONDO:0010651, OMIM 309400.
Cutis laxa, X-linked (OHS). Also called: EDS IX; Occipital horn syndrome. Identifiers: Orphanet 198, MedGen C0268353, MONDO:0010572, OMIM 304150.
X-linked distal spinal muscular atrophy type 3. Also called: ATP7A-Related Distal Motor Neuropathy; SPINAL MUSCULAR ATROPHY, DISTAL, X-LINKED RECESSIVE; NEURONOPATHY, DISTAL HEREDITARY MOTOR, X-LINKED; NEUROPATHY, DISTAL HEREDITARY MOTOR, X-LINKED. Identifiers: Orphanet 139557, MedGen C1845359, MONDO:0010338, OMIM 300489.
ATP7A-related disorder. Also called: ATP7A-related condition.

Allele frequency attached by ClinVar (database versions not stated): ExAC 0.00026; TOPMed 0.00056; gnomAD 0.00060; ESP Exome Variant Server 0.00076; 1000 Genomes Project 0.00132; 1000 Genomes Project 30x 0.00146; gnomAD exomes 0.00005 and 0.00017.
gnomAD v4.1: 127 of 1,210,214 alleles (0.01%); highest among the groups gnomAD compares: African/African-American, 0.2%; no homozygotes.

Submissions (6):

PreventionGenetics, part of Exact Sciences
Classification: Likely benign for ATP7A-related condition. Last evaluated: 2026-09-02. Review status: criteria provided, single submitter. Criteria: ACMG Guidelines, 2015. Collection method: clinical testing. Allele origin: germline.
Comment: This variant is classified as likely benign based on ACMG/AMP sequence variant interpretation guidelines (Richards et al. 2015 PMID: 25741868, with internal and published modifications).

Labcorp Genetics (formerly Invitae), Labcorp
Classification: Benign for X-linked distal spinal muscular atrophy type 3; Cutis laxa, X-linked; Menkes kinky-hair syndrome. Last evaluated: 2026-01-21. Review status: criteria provided, single submitter. Criteria: Invitae Variant Classification Sherloc (09022015). Collection method: clinical testing. Allele origin: germline.

Laboratorio de Genetica e Diagnostico Molecular, Hospital Israelita Albert Einstein
Classification: Benign. Last evaluated: 2021-12-30. Review status: criteria provided, single submitter. Criteria: ACMG Guidelines, 2015. Collection method: clinical testing. Allele origin: germline. Affected: yes.
Comment: ACMG classification criteria: PP3, BS1, BS2

GeneDx
Classification: Benign. Last evaluated: 2021-06-11. Review status: criteria provided, single submitter. Criteria: GeneDx Variant Classification Process June 2021. Collection method: clinical testing. Allele origin: germline. Affected: yes.
Comment: This variant is associated with the following publications: (PMID: 33151932)

Ambry Genetics
Classification: Likely benign for Inborn genetic diseases. Last evaluated: 2019-12-06. Review status: criteria provided, single submitter. Criteria: Ambry Variant Classification Scheme 2023. Collection method: clinical testing. Allele origin: germline.

CeGaT Center for Human Genetics Tuebingen
Classification: Uncertain significance. Last evaluated: 2017-09-01. Review status: criteria provided, single submitter. Criteria: CeGaT Center For Human Genetics Tuebingen Variant Classification Criteria Version 2. Collection method: clinical testing. Allele origin: germline. Affected: yes. Observed: 1 variant allele.